The following is an entry in ClinVar:

ClinVar aggregate classification (germline): Uncertain significance (1 of 4 stars; one submission).

Submission:

GeneDx
Classification: Uncertain significance. Last evaluated: 2024-03-25. Review status: criteria provided, single submitter. Criteria: GeneDx Variant Classification Process June 2021. Collection method: clinical testing. Allele origin: germline. Affected: yes.
Comment: Not observed at significant frequency in large population cohorts (gnomAD); In silico analysis supports that this missense variant does not alter protein structure/function; Has not been previously published as pathogenic or benign to our knowledge

NM_006922.4(SCN3A):c.1397C>T (p.Ser466Leu)

Gene: SCN3A (sodium voltage-gated channel alpha subunit 3; minus strand). Cytogenetic location: 2q24.3.
Variant type: single nucleotide variant.
Coding change: c.1397C>T on transcript NM_006922.4 (MANE Select); coding-DNA position 1397, C replaced by T.
Protein change: p.Ser466Leu; replaces serine 466 with leucine.
Molecular consequence: missense variant.
Genome position (GRCh38, 1-based): chr2:165,147,013, G>A on the plus strand (C>T on the coding strand, the complement: SCN3A is on the minus strand). VCF-style: chr2-165147013-G-A. GRCh37 (hg19) VCF-style: chr2-166003523-G-A.
Other names: c.1397C>T, p.Ser466Leu (NM_001081676.2, NM_001081677.2); short protein forms S466L.
Identifiers: ClinVar variation 3371473 (VCV003371473.1).